The following is an entry in ClinVar:

ClinVar aggregate classification (germline): Conflicting classifications of pathogenicity. Review status: criteria provided, conflicting classifications (1 of 4 stars). 2 submissions from 2 submitters: Uncertain significance (1); Likely benign (1). Last evaluated 2025-01-31.

Allele frequency attached by ClinVar (database versions not stated): gnomAD 0.00035; ExAC 0.00039; gnomAD exomes 0.00049; ESP Exome Variant Server 0.00084.
gnomAD v4.1: 609 of 1,259,192 alleles (0.048%); highest among the groups gnomAD compares: Non-Finnish European, 0.055%; 154 homozygotes.

Submissions (2):

Ambry Genetics
Classification: Uncertain significance. Last evaluated: 2025-01-31. Review status: criteria provided, single submitter. Criteria: Ambry Variant Classification Scheme 2023. Collection method: clinical testing. Allele origin: germline.

CeGaT Center for Human Genetics Tuebingen
Classification: Likely benign. Last evaluated: 2022-11-01. Review status: criteria provided, single submitter. Criteria: CeGaT Center For Human Genetics Tuebingen Variant Classification Criteria Version 2. Collection method: clinical testing. Allele origin: germline. Affected: yes. Observed: 1 variant allele.
Comment: RSPH10B2: BP4, BS2

NM_001099697.2(RSPH10B2):c.1637C>T (p.Thr546Met)

Gene: RSPH10B2 (radial spoke head 10 homolog B2; plus strand). Cytogenetic location: 7p22.1.
Variant type: single nucleotide variant.
Coding change: c.1637C>T on transcript NM_001099697.2 (MANE Select); coding-DNA position 1637, C replaced by T.
Protein change: p.Thr546Met; replaces threonine 546 with methionine.
Molecular consequence: missense variant.
Genome position (GRCh38, 1-based): chr7:6,781,355, C>T. VCF-style: chr7-6781355-C-T. GRCh37 (hg19) VCF-style: chr7-6820986-C-T.
Other names: short protein forms T546M.
Identifiers: ClinVar variation 2350217 (VCV002350217.27), dbSNP rs369650101, ClinGen allele CA4157952.